The following is an entry in ClinVar:

NM_032578.4(MYPN):c.3110A>G (p.Gln1037Arg)

Gene: MYPN (myopalladin; plus strand). Cytogenetic location: 10q21.3.
Variant type: single nucleotide variant.
Coding change: c.3110A>G on transcript NM_032578.4 (MANE Select); coding-DNA position 3110, A replaced by G.
Protein change: p.Gln1037Arg; replaces glutamine 1037 with arginine.
Molecular consequence: missense variant. On other transcripts: non-coding transcript variant (2).
Genome position (GRCh38, 1-based): chr10:68,195,484, A>G. VCF-style: chr10-68195484-A-G. GRCh37 (hg19) VCF-style: chr10-69955241-A-G.
Other names: p.Q1037R:CAA>CGA; c.3110A>G, p.Gln1037Arg (NM_001256267.2); c.2228A>G, p.Gln743Arg (NM_001256268.2); short protein forms Q1037R, Q743R.
Identifiers: ClinVar variation 201888 (VCV000201888.4), dbSNP rs794729074, ClinGen allele CA335313.

ClinVar aggregate classification (germline): Uncertain significance. Review status: criteria provided, multiple submitters, no conflicts (2 of 4 stars). 2 submissions from 2 submitters: Uncertain significance (2). Last evaluated 2022-01-30.

Conditions:
Cardiovascular phenotype. Identifiers: MedGen CN230736.

Allele frequency attached by ClinVar (database versions not stated): gnomAD exomes below 0.00001; TOPMed below 0.00001; gnomAD 0.00001.
gnomAD v4.1: 4 of 1,613,960 alleles (0.00025%); highest among the groups gnomAD compares: Non-Finnish European, 0.00034%; no homozygotes.

Submissions (2):

Ambry Genetics
Classification: Uncertain significance for Cardiovascular phenotype. Last evaluated: 2022-01-30. Review status: criteria provided, single submitter. Criteria: Ambry Variant Classification Scheme 2023. Collection method: clinical testing. Allele origin: germline.
Comment: The p.Q1037R variant (also known as c.3110A>G), located in coding exon 14 of the MYPN gene, results from an A to G substitution at nucleotide position 3110. The glutamine at codon 1037 is replaced by arginine, an amino acid with highly similar properties. This amino acid position is conserved. In addition, the in silico prediction for this alteration is inconclusive. Since supporting evidence is limited at this time, the clinical significance of this alteration remains unclear.

GeneDx
Classification: Uncertain significance. Last evaluated: 2014-05-06. Review status: criteria provided, single submitter. Criteria: GeneDx Variant Classification (06012015). Collection method: clinical testing. Allele origin: germline. Affected: yes.
Comment: This variant is denoted p.Gln1037Arg (CAA>CGA): c.3110 A>G in exon 15 of the MYPN gene (NM_032578.3). The Q1037R variant has not been published as a mutation or reported as a benign polymorphism to our knowledge. The Q1037R variant was not observed in approximately 6,500 individuals of European and African American ancestry in the NHLBI Exome Sequencing Project, indicating it is not a common benign variant in these populations. The Q1037R variant is a semi-conservative amino acid substitution, which may impact secondary protein structure as these residues differ in some properties. This substitution occurs at a position that is conserved across species. In silico analysis predicts this variant is probably damaging to the protein structure/function. However, no missense mutations in nearby residues have been reported in association with cardiomyopathy. Therefore, based on the currently available information, it is unclear whether this variant is a pathogenic mutation or a rare benign variant. The variant is found in CARDIOMYOPATHY panel(s).